The following is an entry in ClinVar:

NM_031372.4(HNRNPDL):c.948GCAACA[1] (p.Gln320_Gln321del)

Gene: HNRNPDL (heterogeneous nuclear ribonucleoprotein D like; minus strand). Cytogenetic location: 4q21.22.
Variant type: Microsatellite.
Coding change: c.948GCAACA[1] on transcript NM_031372.4 (MANE Select); one copy of the 6-base unit GCAACA starting at c.948; the reference has two copies in a row; one copy, 6 bases deleted.
Protein change: p.Gln320_Gln321del.
Molecular consequence: inframe deletion. On other transcripts: non-coding transcript variant (1).
Genome position (GRCh38, 1-based): chr4:82,427,252-82,427,257, TGTTGC deleted on the plus strand (GCAACA on the coding strand, the reverse complement: HNRNPDL is on the minus strand); deleting any 6 consecutive bases within chr4:82,427,252-82,427,265 gives the same sequence; the position shown is the placement nearest the transcript's 3' end. VCF-style (leftmost placement, unchanged base first): chr4-82427251-TTGTTGC-T. GRCh37 (hg19) VCF-style: chr4-83348404-TTGTTGC-T.
Other names: c.954_959delGCAACA (NM_031372.3); c.948GCAACA[1], p.Gln320_Gln321del (NM_001207000.1).
Identifiers: ClinVar variation 464394 (VCV000464394.10), dbSNP rs763843229, ClinGen allele CA2984820.

ClinVar aggregate classification (germline): Uncertain significance (1 of 4 stars; one submission).

Conditions:
Autosomal dominant limb-girdle muscular dystrophy type 1G (LGMDD3). Also called: Limb-girdle muscular dystrophy, type 1G; MUSCULAR DYSTROPHY, LIMB-GIRDLE, AUTOSOMAL DOMINANT 3. Identifiers: Orphanet 55596, MedGen C1836765, MONDO:0012193, OMIM 609115.

Submission:

Labcorp Genetics (formerly Invitae), Labcorp
Classification: Uncertain significance for Autosomal dominant limb-girdle muscular dystrophy type 1G. Last evaluated: 2023-03-21. Review status: criteria provided, single submitter. Criteria: Invitae Variant Classification Sherloc (09022015). Collection method: clinical testing. Allele origin: germline.
Comment: This variant has not been reported in the literature in individuals affected with HNRNPDL-related conditions. This variant, c.954_959del, results in the deletion of 2 amino acid(s) of the HNRNPDL protein (p.Gln320_Gln321del), but otherwise preserves the integrity of the reading frame. This variant is present in population databases (rs763843229, gnomAD 0.006%). ClinVar contains an entry for this variant (Variation ID: 464394). Experimental studies and prediction algorithms are not available or were not evaluated, and the functional significance of this variant is currently unknown. In summary, the available evidence is currently insufficient to determine the role of this variant in disease. Therefore, it has been classified as a Variant of Uncertain Significance.